The following is an entry in ClinVar:

ClinVar aggregate classification (germline): Uncertain significance (1 of 4 stars; one submission).

Conditions:
Inborn genetic diseases. Identifiers: MedGen C0950123, MeSH D030342.

gnomAD v4.1: 15 of 1,612,218 alleles (0.00093%); highest among the groups gnomAD compares: Admixed American, 0.0017%; no homozygotes.

Submission:

Ambry Genetics
Classification: Uncertain significance for Inborn genetic diseases. Last evaluated: 2026-05-17. Review status: criteria provided, single submitter. Criteria: Ambry Variant Classification Scheme 2023. Collection method: clinical testing. Allele origin: germline.
Comment: The p.S103C variant (also known as c.308C>G), located in coding exon 2 of the G6PC3 gene, results from a C to G substitution at nucleotide position 308. The serine at codon 103 is replaced by cysteine, an amino acid with dissimilar properties. This amino acid position is conserved. In addition, the in silico prediction for this alteration is inconclusive. Based on the available evidence, the clinical significance of this variant remains unclear.

NM_138387.4(G6PC3):c.308C>G (p.Ser103Cys)

Gene: G6PC3 (glucose-6-phosphatase catalytic subunit 3; plus strand). Cytogenetic location: 17q21.31.
Variant type: single nucleotide variant.
Coding change: c.308C>G on transcript NM_138387.4 (MANE Select); coding-DNA position 308, C replaced by G.
Protein change: p.Ser103Cys; replaces serine 103 with cysteine.
Molecular consequence: missense variant. On other transcripts: 5 prime UTR variant (4).
Genome position (GRCh38, 1-based): chr17:44,074,249, C>G. VCF-style: chr17-44074249-C-G. GRCh37 (hg19) VCF-style: chr17-42151617-C-G.
Other names: c.308C>G, p.Ser103Cys (NM_001319945.2); c.-38C>G (NM_001384165.1, NM_001384166.1, NM_001384167.1 and 1 more transcripts); short protein forms S103C.
Identifiers: ClinVar variation 4871604 (VCV004871604.1).